The following is an entry in ClinVar:

ClinVar aggregate classification (germline): Pathogenic (1 of 4 stars; one submission).

Conditions:
Capillary malformation-arteriovenous malformation 1 (CMAVM1). Identifiers: Orphanet 137667, Orphanet 693907, MedGen C4747394, MONDO:0020783, OMIM 608354.

Submission:

Seattle Children's Hospital Molecular Genetics Laboratory, Seattle Children's Hospital
Classification: Pathogenic for Capillary malformation-arteriovenous malformation 1. Review status: criteria provided, single submitter. Criteria: ACMG Guidelines, 2015. Collection method: clinical testing. Allele origin: somatic. Affected: yes.
Comment: The c.2926-1G>A variant disrupts a splice acceptor site and is predicted to result in an in-frame skipping of exon 24 (of 25 total exons). This variant has been reported in cancer (COSV56924553), as has c.2925-1G>T (COSV56924553), which is expected to have the same impact. The c.2926-1G>A variant is absent from large population studies (gnomAD v4.0.0).

NM_002890.3(RASA1):c.1453_1453+5del

Genes: CCNH (cyclin H; minus strand), RASA1 (RAS p21 protein activator 1; plus strand). Cytogenetic location: 5q14.3.
Variant type: Deletion.
Coding change: c.1453_1453+5del on transcript NM_002890.3 (MANE Select); coding-DNA position 1453 through 5 bases into the intron after coding-DNA position 1453, 6 bases deleted (GGTAAG; older notation c.1453_1453+5delGGTAAG).
Molecular consequence: splice donor variant. On other transcripts: intron variant (1).
Genome position (GRCh38, 1-based): chr5:87,362,671-87,362,676, GGTAAG deleted; deleting any 6 consecutive bases within chr5:87,362,668-87,362,676 gives the same sequence; the c. name uses the placement nearest the transcript's 3' end. VCF-style (leftmost placement, unchanged base first): chr5-87362667-AAAGGGT-A. GRCh37 (hg19) VCF-style: chr5-86658484-AAAGGGT-A.
Other names: c.922_922+5del (NM_022650.3); c.933+32371_933+32376del (NM_001364075.2).
Identifiers: ClinVar variation 3340433 (VCV003340433.1).